The following is an entry in ClinVar:

NM_001018005.2(TPM1):c.817G>A (p.Glu273Lys)

Gene: TPM1 (tropomyosin 1; plus strand). Cytogenetic location: 15q22.2.
Variant type: single nucleotide variant.
Coding change: c.817G>A on transcript NM_001018005.2 (MANE Select); coding-DNA position 817, G replaced by A.
Protein change: p.Glu273Lys; replaces glutamic acid 273 with lysine.
Molecular consequence: missense variant. On other transcripts: 3 prime UTR variant (3), non-coding transcript variant (7), intron variant (18).
Genome position (GRCh38, 1-based): chr15:63,064,108, G>A. VCF-style: chr15-63064108-G-A. GRCh37 (hg19) VCF-style: chr15-63356307-G-A.
Other names: c.817G>A, p.Glu273Lys (NM_001407331.1, NM_001407332.1, NM_000366.6 and 8 more transcripts); c.709G>A, p.Glu237Lys (NM_001330346.2, NM_001365781.2, NM_001365782.1 and 1 more transcripts); c.943G>A, p.Glu315Lys (NM_001407322.1, NM_001407323.1, NM_001407324.1); c.*1299G>A (NM_001407325.1, NM_001407340.1, NM_001407341.1); c.898+1463G>A (NM_001365778.1); c.772+1463G>A (NM_001407336.1, NM_001018020.2, NM_001407338.1 and 8 more transcripts); c.664+1463G>A (NM_001330351.2, NM_001330344.2, NM_001018008.2 and 3 more transcripts); short protein forms E273K, E237K, E315K.
Identifiers: ClinVar variation 2772906 (VCV002772906.3), dbSNP rs2542883342, ClinGen allele CA392725159.

ClinVar aggregate classification (germline): Uncertain significance (1 of 4 stars; one submission).

Conditions:
Hypertrophic cardiomyopathy. Also called: HYPERTROPHIC MYOCARDIOPATHY. Identifiers: Orphanet 217569, MedGen C0007194, MeSH D002312, MONDO:0005045, HP:0001639.

Submission:

Labcorp Genetics (formerly Invitae), Labcorp
Classification: Uncertain significance for Hypertrophic cardiomyopathy. Last evaluated: 2023-10-30. Review status: criteria provided, single submitter. Criteria: Invitae Variant Classification Sherloc (09022015). Collection method: clinical testing. Allele origin: germline.
Comment: This sequence change replaces glutamic acid, which is acidic and polar, with lysine, which is basic and polar, at codon 273 of the TPM1 protein (p.Glu273Lys). This variant is not present in population databases (gnomAD no frequency). This variant has not been reported in the literature in individuals affected with TPM1-related conditions. An algorithm developed to predict the effect of missense changes on protein structure and function (PolyPhen-2) suggests that this variant is likely to be tolerated. In summary, the available evidence is currently insufficient to determine the role of this variant in disease. Therefore, it has been classified as a Variant of Uncertain Significance.